The following is an entry in ClinVar:

NM_000061.3(BTK):c.370T>C (p.Trp124Arg)

Gene: BTK (Bruton tyrosine kinase; minus strand). Cytogenetic location: Xq22.1.
Variant type: single nucleotide variant.
Coding change: c.370T>C on transcript NM_000061.3 (MANE Select); coding-DNA position 370, T replaced by C.
Protein change: p.Trp124Arg; replaces tryptophan 124 with arginine.
Molecular consequence: missense variant.
Genome position (GRCh38, 1-based): chrX:101,370,019, A>G on the plus strand (T>C on the coding strand, the complement: BTK is on the minus strand). VCF-style: chrX-101370019-A-G. GRCh37 (hg19) VCF-style: chrX-100625007-A-G.
Other names: c.472T>C, p.Trp158Arg (NM_001287344.2); c.370T>C, p.Trp124Arg (NM_001287345.2); short protein forms W124R, W158R.
Identifiers: ClinVar variation 381633 (VCV000381633.2), dbSNP rs7474275, ClinGen allele CA16608657.

ClinVar aggregate classification (germline): Likely pathogenic (1 of 4 stars; one submission).

Submission:

GeneDx
Classification: Likely pathogenic. Last evaluated: 2015-11-11. Review status: criteria provided, single submitter. Criteria: GeneDx Variant Classification (06012015). Collection method: clinical testing. Allele origin: germline. Affected: yes.
Comment: The W124R missense variant in the BTK gene has been reported previously in association with X-linked agammaglobulinemia (Wang et al., 2009; Qin et al., 2013). The W124R variant was not observed in approximately 6,500 individuals of European and African American ancestry in the NHLBI Exome Sequencing Project, indicating it is not a common benign variant in these populations. The variant is a non-conservative amino acid substitution, which is likely to impact secondary protein structure as these residues differ in polarity, charge, size and/or other properties. This substitution occurs at a position within the PH domain that is conserved across species, and in silico analysis predicts this variant is probably damaging to the protein structure/function. Variants within the PH domain have been shown to cause constitutive activation of the Btk protein (Rawlings et al., 1995). Additionally, missense variants in the same residue (W124C) and in a nearby residue (Q127H) have been reported in the Human Gene Mutation Database in association with agammaglobulinemia (Stenson et al., 2014), supporting the functional importance of this region of the protein. Therefore, this variant is likely pathogenic; however, the possibility that it is benign cannot be excluded.